The following is an entry in ClinVar:

ClinVar aggregate classification (germline): Likely benign. Review status: criteria provided, multiple submitters, no conflicts (2 of 4 stars). 4 submissions from 4 submitters: Likely benign (4). Last evaluated 2024-12-31.

Conditions:
Familial thoracic aortic aneurysm and aortic dissection (TAAD). Also called: Thoracic aortic aneurysms and dissections. Identifiers: Orphanet 91387, MedGen C4707243, MONDO:0019625.
Marfan syndrome (MFS). Also called: Marfan syndrome type 1; Marfan syndrome, classic; Marfan's syndrome; FBN1-Related Marfan Syndrome; MARFAN SYNDROME, TYPE I. Identifiers: Orphanet 284963, Orphanet 558, MedGen C0024796, MONDO:0007947, OMIM 154700.

Allele frequency attached by ClinVar (database versions not stated): TOPMed 0.00001.
gnomAD v4.1: 2 of 1,614,034 alleles (0.00012%); no homozygotes.

Submissions (4):

Labcorp Genetics (formerly Invitae), Labcorp
Classification: Likely benign for Marfan syndrome; Familial thoracic aortic aneurysm and aortic dissection. Last evaluated: 2024-12-31. Review status: criteria provided, single submitter. Criteria: Invitae Variant Classification Sherloc (09022015). Collection method: clinical testing. Allele origin: germline.

All of Us Research Program, National Institutes of Health
Classification: Likely benign for Marfan syndrome. Last evaluated: 2023-07-22. Review status: criteria provided, single submitter. Criteria: ACMG Guidelines, 2015. Collection method: clinical testing. Allele origin: germline. Inheritance: Autosomal dominant inheritance. Observed: 1 variant allele, 1 heterozygote.
Comment: This study involves interpretation of variants in research participants for the purpose of population health screening. Participant phenotype was not available at the time of variant classification. Additional details can be found in publication PMID: 35346344, PMCID: PMC8962531

Color Diagnostics, LLC DBA Color Health
Classification: Likely benign for Familial thoracic aortic aneurysm and aortic dissection. Last evaluated: 2019-06-26. Review status: criteria provided, single submitter. Criteria: ACMG Guidelines, 2015. Collection method: clinical testing. Allele origin: germline.

GeneDx
Classification: Likely benign. Last evaluated: 2018-03-05. Review status: criteria provided, single submitter. Criteria: GeneDx Variant Classification (06012015). Collection method: clinical testing. Allele origin: germline. Affected: yes.
Comment: This variant is considered likely benign or benign based on one or more of the following criteria: it is a conservative change, it occurs at a poorly conserved position in the protein, it is predicted to be benign by multiple in silico algorithms, and/or has population frequency not consistent with disease.

NM_000138.5(FBN1):c.1029G>T (p.Gly343=)

Genes: FBN1 (fibrillin 1; minus strand), LOC113939944 (Sharpr-MPRA regulatory region 9539; plus strand). Cytogenetic location: 15q21.1.
Variant type: single nucleotide variant.
Coding change: c.1029G>T on transcript NM_000138.5 (MANE Select); coding-DNA position 1029, G replaced by T.
Protein change: p.Gly343=; no amino-acid change (glycine 343 retained).
Molecular consequence: synonymous variant.
Genome position (GRCh38, 1-based): chr15:48,520,777, C>A on the plus strand (G>T on the coding strand, the complement: FBN1 is on the minus strand). VCF-style: chr15-48520777-C-A. GRCh37 (hg19) VCF-style: chr15-48812974-C-A.
Identifiers: ClinVar variation 516065 (VCV000516065.6), dbSNP rs75655780, ClinGen allele CA490028530.